The following is an entry in ClinVar:

ClinVar aggregate classification (germline): Uncertain significance (1 of 4 stars; one submission).

Submission:

Labcorp Genetics (formerly Invitae), Labcorp
Classification: Uncertain significance. Last evaluated: 2024-05-29. Review status: criteria provided, single submitter. Criteria: Invitae Variant Classification Sherloc (09022015). Collection method: clinical testing. Allele origin: germline.
Comment: This variant, c.2382_2384del, results in the deletion of 1 amino acid(s) of the BACH2 protein (p.Arg795del), but otherwise preserves the integrity of the reading frame. This variant is not present in population databases (gnomAD no frequency). This variant has not been reported in the literature in individuals affected with BACH2-related conditions. Experimental studies and prediction algorithms are not available or were not evaluated, and the functional significance of this variant is currently unknown. In summary, the available evidence is currently insufficient to determine the role of this variant in disease. Therefore, it has been classified as a Variant of Uncertain Significance.

NM_021813.4(BACH2):c.2379GAG[1] (p.Arg795del)

Gene: BACH2 (BACH transcriptional regulator 2; minus strand). Cytogenetic location: 6q15.
Variant type: Microsatellite.
Coding change: c.2379GAG[1] on transcript NM_021813.4 (MANE Select); one copy of the 3-base unit GAG starting at c.2379; the reference has two copies in a row; one copy, 3 bases deleted.
Protein change: p.Arg795del; deletes arginine 795.
Genome position (GRCh38, 1-based): chr6:89,932,550-89,932,552, CTC deleted on the plus strand (GAG on the coding strand, the reverse complement: BACH2 is on the minus strand); deleting any 3 consecutive bases within chr6:89,932,550-89,932,556 gives the same sequence; the position shown is the placement nearest the transcript's 3' end. VCF-style (leftmost placement, unchanged base first): chr6-89932549-TCTC-T. GRCh37 (hg19) VCF-style: chr6-90642268-TCTC-T.
Other names: c.2379GAG[1], p.Arg795del (NM_001170794.2); short protein forms R795del.
Identifiers: ClinVar variation 3687422 (VCV003687422.2).